The following is an entry in ClinVar:

NM_020708.5(SLC12A5):c.403A>G (p.Met135Val)

Gene: SLC12A5 (solute carrier family 12 member 5; plus strand). Cytogenetic location: 20q13.12.
Variant type: single nucleotide variant.
Coding change: c.403A>G on transcript NM_020708.5 (MANE Select); coding-DNA position 403, A replaced by G.
Protein change: p.Met135Val; replaces methionine 135 with valine.
Molecular consequence: missense variant.
Genome position (GRCh38, 1-based): chr20:46,035,900, A>G. VCF-style: chr20-46035900-A-G. GRCh37 (hg19) VCF-style: chr20-44664539-A-G.
Other names: c.472A>G, p.Met158Val (NM_001134771.2); short protein forms M135V, M158V.
Identifiers: ClinVar variation 1486683 (VCV001486683.8), dbSNP rs2145482911, ClinGen allele CA409187741.

ClinVar aggregate classification (germline): Uncertain significance (1 of 4 stars; one submission).

Conditions:
Developmental and epileptic encephalopathy, 34 (DEE34). Also called: Early infantile epileptic encephalopathy 34; SLC12A5-Related Epilepsy of Infancy with Migrating Focal Seizures. Identifiers: Orphanet 293181, MedGen C4225257, MONDO:0014718, OMIM 616645.

Allele frequency attached by ClinVar (database versions not stated): gnomAD exomes below 0.00001.

Submission:

Labcorp Genetics (formerly Invitae), Labcorp
Classification: Uncertain significance for Developmental and epileptic encephalopathy, 34. Last evaluated: 2023-12-05. Review status: criteria provided, single submitter. Criteria: Invitae Variant Classification Sherloc (09022015). Collection method: clinical testing. Allele origin: germline.
Comment: This sequence change replaces methionine, which is neutral and non-polar, with valine, which is neutral and non-polar, at codon 135 of the SLC12A5 protein (p.Met135Val). This variant is not present in population databases (gnomAD no frequency). This variant has not been reported in the literature in individuals affected with SLC12A5-related conditions. ClinVar contains an entry for this variant (Variation ID: 1486683). Advanced modeling of protein sequence and biophysical properties (such as structural, functional, and spatial information, amino acid conservation, physicochemical variation, residue mobility, and thermodynamic stability) performed at Invitae indicates that this missense variant is not expected to disrupt SLC12A5 protein function with a negative predictive value of 80%. In summary, the available evidence is currently insufficient to determine the role of this variant in disease. Therefore, it has been classified as a Variant of Uncertain Significance.